The following is an entry in ClinVar:

ClinVar aggregate classification (germline): Conflicting classifications of pathogenicity. Review status: criteria provided, conflicting classifications (1 of 4 stars). 3 submissions from 3 submitters: Uncertain significance (2); Likely benign (1). Last evaluated 2024-07-01.

Conditions:
Stickler syndrome type 1 (STL1). Also called: ARTHROOPHTHALMOPATHY, HEREDITARY PROGRESSIVE; STICKLER SYNDROME, MEMBRANOUS VITREOUS TYPE; STICKLER SYNDROME, VITREOUS TYPE 1; COL2A1-Related Stickler Syndrome. Identifiers: Orphanet 828, Orphanet 90653, MedGen C2020284, MONDO:0007160, OMIM 108300.
Connective tissue disorder. Also called: Connective tissue disease. Identifiers: MedGen C0009782, MONDO:0003900.

Allele frequency attached by ClinVar (database versions not stated): gnomAD exomes below 0.00001 and 0.00001; gnomAD 0.00001; TOPMed 0.00001.
gnomAD v4.1: 10 of 1,613,510 alleles (0.00062%); highest among the groups gnomAD compares: African/African-American, 0.0013%; no homozygotes.

Submissions (3):

Labcorp Genetics (formerly Invitae), Labcorp
Classification: Likely benign. Last evaluated: 2024-07-01. Review status: criteria provided, single submitter. Criteria: Invitae Variant Classification Sherloc (09022015). Collection method: clinical testing. Allele origin: germline.

Victorian Clinical Genetics Services, Murdoch Childrens Research Institute
Classification: Uncertain significance for Stickler syndrome type 1. Last evaluated: 2020-05-21. Review status: criteria provided, single submitter. Criteria: ACMG Guidelines, 2015. Collection method: clinical testing. Allele origin: germline. Inheritance: Autosomal dominant inheritance. Affected: yes.
Comment: Based on the classification scheme VCGS_Germline_v1.1.1, this variant is classified as 3C-VUS. Following criteria are met: 0102 - Loss-of-function is a known mechanism of disease for this gene. (N) 0104 - Dominant Negative is a mechanism of disease for this gene. (N) 0107 - This gene is known to be associated with autosomal dominant disease. (N) 0212 - Non-canonical splice variant without proven consequence on splicing (no functional evidence available). (P) 0251 - Variant is heterozygous. (N) 0302 - Variant is present in gnomAD <0.001 for a dominant condition (2 Heterozygotes, 0 Homozygotes). (P) 0506 - Abnormal splicing is not predicted and nucleotide is poorly conserved. (B) 0705 - No comparable variants have previous evidence for pathogenicity. (N) 0807 - Variant has not previously been reported in a clinical context. (N) 0905 - No segregation evidence has been identified for this variant. (N) 1007 - No published functional evidence has been identified for this variant. (N) 1208 - Inheritance information for this variant is not currently available. (N) Legend: (P) - Pathogenic, (N) - Neutral, (B) - Benign

Center for Human Genetics, Inc
Classification: Uncertain significance for Connective tissue disorder. Last evaluated: 2016-11-01. Review status: criteria provided, single submitter. Criteria: ACMG Guidelines, 2015. Collection method: clinical testing. Allele origin: germline. Affected: yes.

NM_001844.5(COL2A1):c.2304T>C (p.Gly768=)

Gene: COL2A1 (collagen type II alpha 1 chain; minus strand). Cytogenetic location: 12q13.11.
Variant type: single nucleotide variant.
Coding change: c.2304T>C on transcript NM_001844.5 (MANE Select); coding-DNA position 2304, T replaced by C.
Protein change: p.Gly768=; no amino-acid change (glycine 768 retained).
Molecular consequence: synonymous variant.
Genome position (GRCh38, 1-based): chr12:47,982,158, A>G on the plus strand (T>C on the coding strand, the complement: COL2A1 is on the minus strand). VCF-style: chr12-47982158-A-G. GRCh37 (hg19) VCF-style: chr12-48375941-A-G.
Other names: c.2097T>C, p.Gly699= (NM_033150.3).
Identifiers: ClinVar variation 547256 (VCV000547256.9), dbSNP rs925297712, ClinGen allele CA236524266.